The following is an entry in ClinVar:

ClinVar aggregate classification (germline): Uncertain significance (1 of 4 stars; one submission).

Allele frequency attached by ClinVar (database versions not stated): TOPMed below 0.00001; gnomAD exomes 0.00001.
gnomAD v4.1: 4 of 1,614,240 alleles (0.00025%); highest among the groups gnomAD compares: Admixed American, 0.0067%; no homozygotes.

Submission:

Labcorp Genetics (formerly Invitae), Labcorp
Classification: Uncertain significance. Last evaluated: 2022-09-06. Review status: criteria provided, single submitter. Criteria: Invitae Variant Classification Sherloc (09022015). Collection method: clinical testing. Allele origin: germline.
Comment: This sequence change replaces threonine, which is neutral and polar, with serine, which is neutral and polar, at codon 490 of the KCNQ5 protein (p.Thr490Ser). This variant is not present in population databases (gnomAD no frequency). This variant has not been reported in the literature in individuals affected with KCNQ5-related conditions. Algorithms developed to predict the effect of missense changes on protein structure and function (SIFT, PolyPhen-2, Align-GVGD) all suggest that this variant is likely to be tolerated. In summary, the available evidence is currently insufficient to determine the role of this variant in disease. Therefore, it has been classified as a Variant of Uncertain Significance.

NM_019842.4(KCNQ5):c.1412C>G (p.Thr471Ser)

Gene: KCNQ5 (potassium voltage-gated channel subfamily Q member 5; plus strand). Cytogenetic location: 6q13.
Variant type: single nucleotide variant.
Coding change: c.1412C>G on transcript NM_019842.4 (MANE Select); coding-DNA position 1412, C replaced by G.
Protein change: p.Thr471Ser; replaces threonine 471 with serine.
Molecular consequence: missense variant. On other transcripts: intron variant (1).
Genome position (GRCh38, 1-based): chr6:73,133,585, C>G. VCF-style: chr6-73133585-C-G. GRCh37 (hg19) VCF-style: chr6-73843308-C-G.
Other names: c.1385C>G, p.Thr462Ser (NM_001160130.2); c.1442C>G, p.Thr481Ser (NM_001160132.2); c.1469C>G, p.Thr490Ser (NM_001160133.2); c.1247+9073C>G (NM_001160134.2); short protein forms T462S, T471S, T481S, T490S.
Identifiers: ClinVar variation 1717541 (VCV001717541.5), dbSNP rs1776330351, ClinGen allele CA364828403.
Genomic context (GRCh38, chr6:73,133,585, plus strand): 5'-ACATCACAGCCGAGGGCAGTCCCACCAAAGTGCAGAAGAGCTGGAGCTTCAACGACCGAA[C>G]CCGCTTCCGGCCCTCGCTGCGCCTCAAAAGTTCTCAGCCAAAACCAGTGATAGATGGTAA-3'
Protein context (NP_062816.2, residues 461-481): VQKSWSFNDR[Thr471Ser]RFRPSLRLKS